The following is an entry in ClinVar:

NM_020433.5(JPH2):c.694C>T (p.Arg232Cys)

Gene: JPH2 (junctophilin 2; minus strand). Cytogenetic location: 20q13.12.
Variant type: single nucleotide variant.
Coding change: c.694C>T on transcript NM_020433.5 (MANE Select); coding-DNA position 694, C replaced by T.
Protein change: p.Arg232Cys; replaces arginine 232 with cysteine.
Molecular consequence: missense variant.
Genome position (GRCh38, 1-based): chr20:44,160,093, G>A on the plus strand (C>T on the coding strand, the complement: JPH2 is on the minus strand). VCF-style: chr20-44160093-G-A. GRCh37 (hg19) VCF-style: chr20-42788733-G-A.
Other names: short protein forms R232C.
Identifiers: ClinVar variation 452455 (VCV000452455.4), dbSNP rs1002693181, ClinGen allele CA409093872.

ClinVar aggregate classification (germline): Uncertain significance. Review status: criteria provided, multiple submitters, no conflicts (2 of 4 stars). 2 submissions from 2 submitters: Uncertain significance (2). Last evaluated 2024-07-15.

Conditions:
Hypertrophic cardiomyopathy. Also called: HYPERTROPHIC MYOCARDIOPATHY. Identifiers: Orphanet 217569, MedGen C0007194, MeSH D002312, MONDO:0005045, HP:0001639.

Submissions (2):

Labcorp Genetics (formerly Invitae), Labcorp
Classification: Uncertain significance for Hypertrophic cardiomyopathy. Last evaluated: 2024-07-15. Review status: criteria provided, single submitter. Criteria: Invitae Variant Classification Sherloc (09022015). Collection method: clinical testing. Allele origin: germline.
Comment: This sequence change replaces arginine, which is basic and polar, with cysteine, which is neutral and slightly polar, at codon 232 of the JPH2 protein (p.Arg232Cys). This variant is not present in population databases (gnomAD no frequency). This variant has not been reported in the literature in individuals affected with JPH2-related conditions. ClinVar contains an entry for this variant (Variation ID: 452455). An algorithm developed to predict the effect of missense changes on protein structure and function (PolyPhen-2) suggests that this variant is likely to be disruptive. In summary, the available evidence is currently insufficient to determine the role of this variant in disease. Therefore, it has been classified as a Variant of Uncertain Significance.

GeneDx
Classification: Uncertain significance. Last evaluated: 2017-09-28. Review status: criteria provided, single submitter. Criteria: GeneDx Variant Classification (06012015). Collection method: clinical testing. Allele origin: germline. Affected: yes.
Comment: A variant of uncertain significance has been identified in the JPH2 gene. The R232C variant has not been published as pathogenic or been reported as benign to our knowledge. This variant is not observed in large population cohorts (Lek et al., 2016). The R232C variant is a non-conservative amino acid substitution, which is likely to impact secondary protein structure as these residues differ in polarity, charge, size and/or other properties. In silico analysis predicts this variant is probably damaging to the protein structure/function. However, this substitution occurs at a position where amino acids with similar properties to arginine (R) are tolerated across species.